The following is an entry in ClinVar:

NM_000051.4(ATM):c.4555G>T (p.Val1519Phe)

Gene: ATM (ATM serine/threonine kinase; plus strand). Cytogenetic location: 11q22.3.
Variant type: single nucleotide variant.
Coding change: c.4555G>T on transcript NM_000051.4 (MANE Select); coding-DNA position 4555, G replaced by T.
Protein change: p.Val1519Phe; replaces valine 1519 with phenylalanine.
Molecular consequence: missense variant.
Genome position (GRCh38, 1-based): chr11:108,292,737, G>T. VCF-style: chr11-108292737-G-T. GRCh37 (hg19) VCF-style: chr11-108163464-G-T.
Other names: c.4555G>T, p.Val1519Phe (NM_001351834.2); short protein forms V1519F.
Identifiers: ClinVar variation 3649637 (VCV003649637.2).

ClinVar aggregate classification (germline): Uncertain significance (1 of 4 stars; one submission).

Conditions:
Ataxia-telangiectasia syndrome (AT). Also called: ATAXIA-TELANGIECTASIA, COMPLEMENTATION GROUP A; ATAXIA-TELANGIECTASIA, FRESNO VARIANT; LOUIS-BAR SYNDROME; Ataxia-telangiectasia, complementation group D; Ataxia-telangiectasia, complementation group E; Cerebello-oculocutaneous telangiectasia. Identifiers: Orphanet 100, MedGen C0004135, MONDO:0008840, OMIM 208900.

Submission:

Labcorp Genetics (formerly Invitae), Labcorp
Classification: Uncertain significance for Ataxia-telangiectasia syndrome. Last evaluated: 2024-04-11. Review status: criteria provided, single submitter. Criteria: Invitae Variant Classification Sherloc (09022015). Collection method: clinical testing. Allele origin: germline.
Comment: This sequence change replaces valine, which is neutral and non-polar, with phenylalanine, which is neutral and non-polar, at codon 1519 of the ATM protein (p.Val1519Phe). This variant is not present in population databases (gnomAD no frequency). This variant has not been reported in the literature in individuals affected with ATM-related conditions. An algorithm developed to predict the effect of missense changes on protein structure and function (PolyPhen-2) suggests that this variant is likely to be tolerated. In summary, the available evidence is currently insufficient to determine the role of this variant in disease. Therefore, it has been classified as a Variant of Uncertain Significance.